The following is an entry in ClinVar:

ClinVar aggregate classification (germline): Uncertain significance. Review status: criteria provided, multiple submitters, no conflicts (2 of 4 stars). 3 submissions from 3 submitters: Uncertain significance (3). Last evaluated 2025-09-11.

Allele frequency attached by ClinVar (database versions not stated): gnomAD exomes 0.00006 and 0.00003; ESP Exome Variant Server 0.00008; 1000 Genomes Project 0.00020; gnomAD 0.00032 and 0.00036; TOPMed 0.00033; 1000 Genomes Project 30x 0.00047; ExAC 0.00004.
gnomAD v4.1: 91 of 1,606,846 alleles (0.0057%); highest among the groups gnomAD compares: African/African-American, 0.11%; no homozygotes.

Submissions (3):

Labcorp Genetics (formerly Invitae), Labcorp
Classification: Uncertain significance. Last evaluated: 2025-09-11. Review status: criteria provided, single submitter. Criteria: Invitae Variant Classification Sherloc (09022015). Collection method: clinical testing. Allele origin: germline.
Comment: This sequence change replaces aspartic acid, which is acidic and polar, with glutamic acid, which is acidic and polar, at codon 236 of the ADGRA3 protein (p.Asp236Glu). This variant is present in population databases (rs181385852, gnomAD 0.1%), and has an allele count higher than expected for a pathogenic variant. This variant has not been reported in the literature in individuals affected with ADGRA3-related conditions. ClinVar contains an entry for this variant (Variation ID: 1428216). An algorithm developed to predict the effect of missense changes on protein structure and function (PolyPhen-2) suggests that this variant is likely to be tolerated. In summary, the available evidence is currently insufficient to determine the role of this variant in disease. Therefore, it has been classified as a Variant of Uncertain Significance.

Ambry Genetics
Classification: Uncertain significance. Last evaluated: 2021-08-13. Review status: criteria provided, single submitter. Criteria: Ambry Variant Classification Scheme 2023. Collection method: clinical testing. Allele origin: germline.

Breakthrough Genomics
Classification: Uncertain significance. Review status: criteria provided, single submitter. Criteria: ACMG Guidelines, 2015. Collection method: not provided. Allele origin: germline. Inheritance: Unknown mechanism. Affected: yes.

NM_145290.4(ADGRA3):c.708C>A (p.Asp236Glu)

Gene: ADGRA3 (adhesion G protein-coupled receptor A3; minus strand). Cytogenetic location: 4p15.2.
Variant type: single nucleotide variant.
Coding change: c.708C>A on transcript NM_145290.4 (MANE Select); coding-DNA position 708, C replaced by A.
Protein change: p.Asp236Glu; replaces aspartic acid 236 with glutamic acid.
Molecular consequence: missense variant.
Genome position (GRCh38, 1-based): chr4:22,442,862, G>T on the plus strand (C>A on the coding strand, the complement: ADGRA3 is on the minus strand). VCF-style: chr4-22442862-G-T. GRCh37 (hg19) VCF-style: chr4-22444485-G-T.
Other names: c.708C>A (NM_145290.2); short protein forms D236E.
Identifiers: ClinVar variation 1428216 (VCV001428216.8), dbSNP rs181385852, ClinGen allele CA2874148.
Genomic context (GRCh38, chr4:22,442,862, plus strand): 5'-TTCAAACACAACTTGGCGATGAGATGGAGTCATGTAGAAAGACGGCAATTCAAGCGGAGG[G>T]TCTAGAGACAATCAAACAAAGATTCAGTAAACAAATATAATTTCCAAACACCATAATTAA-3'
Protein context (NP_660333.2, residues 226-246): TGVKQELLTC[Asp236Glu]PPLELPSFYM